The following is an entry in ClinVar:

ClinVar aggregate classification (germline): Uncertain significance (1 of 4 stars; one submission).

Submission:

GeneDx
Classification: Uncertain significance. Last evaluated: 2024-05-08. Review status: criteria provided, single submitter. Criteria: GeneDx Variant Classification Process June 2021. Collection method: clinical testing. Allele origin: germline. Affected: yes.
Comment: Not observed at significant frequency in large population cohorts (gnomAD); In-frame deletion of 3 amino acids in a non-repeat region; In silico analysis supports a deleterious effect on protein structure/function; Has not been previously published as pathogenic or benign to our knowledge

NM_144973.4(DENND5B):c.3489_3497del (p.Glu1163_Thr1165del)

Gene: DENND5B (DENN domain containing 5B; minus strand). Cytogenetic location: 12p11.21.
Variant type: Deletion.
Coding change: c.3489_3497del on transcript NM_144973.4 (MANE Select); coding-DNA positions 3489 to 3497, 9 bases deleted (AACAACTGA; older notation c.3489_3497delAACAACTGA).
Protein change: p.Glu1163_Thr1165del.
Genome position (GRCh38, 1-based): chr12:31,389,468-31,389,476, TCAGTTGTT deleted on the plus strand (AACAACTGA on the coding strand, the reverse complement: DENND5B is on the minus strand); deleting any 9 consecutive bases within chr12:31,389,468-31,389,479 gives the same sequence; the c. name uses the placement nearest the transcript's 3' end. VCF-style (leftmost placement, unchanged base first): chr12-31389467-GTCAGTTGTT-G. GRCh37 (hg19) VCF-style: chr12-31542401-GTCAGTTGTT-G.
Other names: c.3594_3602del, p.Glu1198_Thr1200del (NM_001308339.2).
Identifiers: ClinVar variation 3375642 (VCV003375642.1).